The following is an entry in ClinVar:

ClinVar aggregate classification (germline): Uncertain significance. Review status: criteria provided, multiple submitters, no conflicts (2 of 4 stars). 2 submissions from 2 submitters: Uncertain significance (2). Last evaluated 2026-06-19.

Conditions:
ACACB-related disorder. Also called: ACACB-related condition.

gnomAD v4.1: 13 of 1,610,656 alleles (0.00081%); highest among the groups gnomAD compares: Non-Finnish European, 0.0011%; no homozygotes.

Submissions (2):

PreventionGenetics, part of Exact Sciences
Classification: Uncertain significance for ACACB-related condition. Last evaluated: 2026-06-19. Review status: criteria provided, single submitter. Criteria: ACMG Guidelines, 2015. Collection method: clinical testing. Allele origin: germline.
Comment: The ACACB c.6356C>T variant is predicted to result in the amino acid substitution p.Ala2119Val. To our knowledge, this variant has not been reported in the literature. This variant is reported in 0.0018% of alleles in individuals of European (Non-Finnish) descent in gnomAD. At this time, the clinical significance of this variant is uncertain due to the absence of conclusive functional and genetic evidence.

Ambry Genetics
Classification: Uncertain significance. Last evaluated: 2025-01-17. Review status: criteria provided, single submitter. Criteria: Ambry Variant Classification Scheme 2023. Collection method: clinical testing. Allele origin: germline.

NM_001093.4(ACACB):c.6356C>T (p.Ala2119Val)

Gene: ACACB (acetyl-CoA carboxylase beta; plus strand). Cytogenetic location: 12q24.11.
Variant type: single nucleotide variant.
Coding change: c.6356C>T on transcript NM_001093.4 (MANE Select); coding-DNA position 6356, C replaced by T.
Protein change: p.Ala2119Val; replaces alanine 2119 with valine.
Molecular consequence: missense variant.
Genome position (GRCh38, 1-based): chr12:109,258,360, C>T. VCF-style: chr12-109258360-C-T. GRCh37 (hg19) VCF-style: chr12-109696165-C-T.
Other names: c.6356C>T, p.Ala2119Val (NM_001412734.1, NM_001412735.1); c.5750C>T, p.Ala1917Val (NM_001412736.1); c.5729C>T, p.Ala1910Val (NM_001412737.1); c.5561C>T, p.Ala1854Val (NM_001412738.1); short protein forms A1854V, A1917V, A2119V, A1910V.
Identifiers: ClinVar variation 3807851 (VCV003807851.2).